The following is an entry in ClinVar:

NM_006389.5(HYOU1):c.2291C>G (p.Thr764Arg)

Gene: HYOU1 (hypoxia up-regulated 1; minus strand). Cytogenetic location: 11q23.3.
Variant type: single nucleotide variant.
Coding change: c.2291C>G on transcript NM_006389.5 (MANE Select); coding-DNA position 2291, C replaced by G.
Protein change: p.Thr764Arg; replaces threonine 764 with arginine.
Molecular consequence: missense variant.
Genome position (GRCh38, 1-based): chr11:119,048,333, G>C on the plus strand (C>G on the coding strand, the complement: HYOU1 is on the minus strand). VCF-style: chr11-119048333-G-C. GRCh37 (hg19) VCF-style: chr11-118919045-G-C.
Other names: c.2291C>G, p.Thr764Arg (NM_001130991.3); short protein forms T764R.
Identifiers: ClinVar variation 1356907 (VCV001356907.8), dbSNP rs11537775, ClinGen allele CA382925137.

ClinVar aggregate classification (germline): Uncertain significance (1 of 4 stars; one submission).

Submission:

Labcorp Genetics (formerly Invitae), Labcorp
Classification: Uncertain significance. Last evaluated: 2022-01-06. Review status: criteria provided, single submitter. Criteria: Invitae Variant Classification Sherloc (09022015). Collection method: clinical testing. Allele origin: germline.
Comment: Algorithms developed to predict the effect of missense changes on protein structure and function are either unavailable or do not agree on the potential impact of this missense change (SIFT: "Not Available"; PolyPhen-2: "Probably Damaging"; Align-GVGD: "Not Available"). In summary, the available evidence is currently insufficient to determine the role of this variant in disease. Therefore, it has been classified as a Variant of Uncertain Significance. This sequence change replaces threonine, which is neutral and polar, with arginine, which is basic and polar, at codon 764 of the HYOU1 protein (p.Thr764Arg). The frequency data for this variant in the population databases is considered unreliable, as metrics indicate poor data quality at this position in the gnomAD database. This variant has not been reported in the literature in individuals affected with HYOU1-related conditions.